The following is an entry in ClinVar:

ClinVar aggregate classification (germline): Uncertain significance (1 of 4 stars; one submission).

Allele frequency attached by ClinVar (database versions not stated): gnomAD exomes 0.00001.
gnomAD v4.1: 10 of 1,614,052 alleles (0.00062%); highest among the groups gnomAD compares: South Asian, 0.0011%; no homozygotes.

Submission:

Labcorp Genetics (formerly Invitae), Labcorp
Classification: Uncertain significance. Last evaluated: 2023-07-24. Review status: criteria provided, single submitter. Criteria: Invitae Variant Classification Sherloc (09022015). Collection method: clinical testing. Allele origin: germline.
Comment: This variant is present in population databases (no rsID available, gnomAD 0.003%). This variant has not been reported in the literature in individuals affected with RPL31-related conditions. An algorithm developed to predict the effect of missense changes on protein structure and function (PolyPhen-2) suggests that this variant is likely to be tolerated. In summary, the available evidence is currently insufficient to determine the role of this variant in disease. Therefore, it has been classified as a Variant of Uncertain Significance. This sequence change replaces arginine, which is basic and polar, with histidine, which is basic and polar, at codon 63 of the RPL31 protein (p.Arg63His).

NM_000993.5(RPL31):c.188G>A (p.Arg63His)

Gene: RPL31 (ribosomal protein L31; plus strand). Cytogenetic location: 2q11.2.
Variant type: single nucleotide variant.
Coding change: c.188G>A on transcript NM_000993.5 (MANE Select); coding-DNA position 188, G replaced by A.
Protein change: p.Arg63His; replaces arginine 63 with histidine.
Molecular consequence: missense variant.
Genome position (GRCh38, 1-based): chr2:101,004,238, G>A. VCF-style: chr2-101004238-G-A. GRCh37 (hg19) VCF-style: chr2-101620700-G-A.
Other names: c.188G>A, p.Arg63His (NM_001099693.2, NM_001098577.3, NM_001098578.1); short protein forms R63H.
Identifiers: ClinVar variation 2780082 (VCV002780082.3), dbSNP rs1230284558, ClinGen allele CA347901205.